The following is an entry in ClinVar:

ClinVar aggregate classification (germline): Pathogenic (1 of 4 stars; one submission).

Submission:

GeneDx
Classification: Pathogenic. Last evaluated: 2022-04-29. Review status: criteria provided, single submitter. Criteria: GeneDx Variant Classification Process June 2021. Collection method: clinical testing. Allele origin: germline. Affected: yes.
Comment: Canonical splice site variant predicted to result in a null allele in a gene for which loss of function is a known mechanism of disease; Not observed at significant frequency in large population cohorts (gnomAD); Has not been previously published as pathogenic or benign to our knowledge

NM_000503.6(EYA1):c.1597+1G>C

Gene: EYA1 (EYA transcriptional coactivator and phosphatase 1; minus strand). Cytogenetic location: 8q13.3.
Variant type: single nucleotide variant.
Coding change: c.1597+1G>C on transcript NM_000503.6 (MANE Select); the canonical splice donor site of the intron after coding-DNA position 1597, G replaced by C.
Molecular consequence: splice donor variant.
Genome position (GRCh38, 1-based): chr8:71,215,386, C>G on the plus strand (G>C on the coding strand, the complement: EYA1 is on the minus strand). VCF-style: chr8-71215386-C-G. GRCh37 (hg19) VCF-style: chr8-72127621-C-G.
Other names: c.1576+1G>C (NM_001370336.1); c.1684+1G>C (NM_001370333.1); c.1597+1G>C (NM_001370335.1, NM_001370334.1, NM_172058.4); c.1579+1G>C (NM_172059.5, NM_001288574.2); c.1498+1G>C (NM_001411797.1, NM_172060.4); c.1231+1G>C (NM_001288575.2).
Identifiers: ClinVar variation 1704965 (VCV001704965.2), dbSNP rs1563630117, ClinGen allele CA371466042.